The following is an entry in ClinVar:

NM_022095.4(ZNF335):c.91A>C (p.Thr31Pro)

Gene: ZNF335 (zinc finger protein 335; minus strand). Cytogenetic location: 20q13.12.
Variant type: single nucleotide variant.
Coding change: c.91A>C on transcript NM_022095.4 (MANE Select); coding-DNA position 91, A replaced by C.
Protein change: p.Thr31Pro; replaces threonine 31 with proline.
Molecular consequence: missense variant.
Genome position (GRCh38, 1-based): chr20:45,971,320, T>G on the plus strand (A>C on the coding strand, the complement: ZNF335 is on the minus strand). VCF-style: chr20-45971320-T-G. GRCh37 (hg19) VCF-style: chr20-44599959-T-G.
Other names: short protein forms T31P.
Identifiers: ClinVar variation 2219696 (VCV002219696.3), dbSNP rs767127374, ClinGen allele CA9886219.

ClinVar aggregate classification (germline): Uncertain significance. Review status: criteria provided, multiple submitters, no conflicts (2 of 4 stars). 2 submissions from 2 submitters: Uncertain significance (2). Last evaluated 2023-05-30.

Conditions:
Inborn genetic diseases. Identifiers: MedGen C0950123, MeSH D030342.

Allele frequency attached by ClinVar (database versions not stated): ExAC 0.00001; gnomAD 0.00002; gnomAD exomes 0.00002; TOPMed 0.00002.
gnomAD v4.1: 27 of 1,595,372 alleles (0.0017%); highest among the groups gnomAD compares: Non-Finnish European, 0.0022%; no homozygotes.

Submissions (2):

GeneDx
Classification: Uncertain significance. Last evaluated: 2023-05-30. Review status: criteria provided, single submitter. Criteria: GeneDx Variant Classification Process June 2021. Collection method: clinical testing. Allele origin: germline. Affected: yes.
Comment: Not observed at significant frequency in large population cohorts (gnomAD); In silico analysis supports that this missense variant does not alter protein structure/function; Has not been previously published as pathogenic or benign to our knowledge

Ambry Genetics
Classification: Uncertain significance for Inborn genetic diseases. Last evaluated: 2022-05-16. Review status: criteria provided, single submitter. Criteria: Ambry Variant Classification Scheme 2023. Collection method: clinical testing. Allele origin: germline.